The following is an entry in ClinVar:

ClinVar aggregate classification (germline): Uncertain significance (1 of 4 stars; one submission).

Allele frequency attached by ClinVar (database versions not stated): gnomAD exomes below 0.00001; gnomAD 0.00001; TOPMed 0.00001.

Submission:

Labcorp Genetics (formerly Invitae), Labcorp
Classification: Uncertain significance. Last evaluated: 2021-08-16. Review status: criteria provided, single submitter. Criteria: Invitae Variant Classification Sherloc (09022015). Collection method: clinical testing. Allele origin: germline.
Comment: In summary, the available evidence is currently insufficient to determine the role of this variant in disease. Therefore, it has been classified as a Variant of Uncertain Significance. Algorithms developed to predict the effect of missense changes on protein structure and function are either unavailable or do not agree on the potential impact of this missense change (SIFT: "Not Available"; PolyPhen-2: "Benign"; Align-GVGD: "Not Available"). This variant has not been reported in the literature in individuals affected with NPPC-related conditions. This variant is not present in population databases (ExAC no frequency). This sequence change replaces arginine with glutamine at codon 82 of the NPPC protein (p.Arg82Gln). The arginine residue is highly conserved and there is a small physicochemical difference between arginine and glutamine.

NM_024409.4(NPPC):c.245G>A (p.Arg82Gln)

Gene: NPPC (natriuretic peptide C; minus strand). Cytogenetic location: 2q37.1.
Variant type: single nucleotide variant.
Coding change: c.245G>A on transcript NM_024409.4 (MANE Select); coding-DNA position 245, G replaced by A.
Protein change: p.Arg82Gln; replaces arginine 82 with glutamine.
Molecular consequence: missense variant.
Genome position (GRCh38, 1-based): chr2:231,925,561, C>T on the plus strand (G>A on the coding strand, the complement: NPPC is on the minus strand). VCF-style: chr2-231925561-C-T. GRCh37 (hg19) VCF-style: chr2-232790271-C-T.
Other names: short protein forms R82Q.
Identifiers: ClinVar variation 1398672 (VCV001398672.6), dbSNP rs5267, ClinGen allele CA67489341.